The following is an entry in ClinVar:

ClinVar aggregate classification (germline): Uncertain significance. Review status: criteria provided, single submitter (1 of 4 stars). 2 submissions from 2 submitters: Uncertain significance (1). 1 of the submissions does not count toward it. Last evaluated 2022-10-13.

Allele frequency attached by ClinVar (database versions not stated): gnomAD exomes 0.00004; ExAC 0.00006; TOPMed 0.00010; 1000 Genomes Project 30x 0.00016; 1000 Genomes Project 0.00020.
gnomAD v4.1: 65 of 1,614,096 alleles (0.004%); highest among the groups gnomAD compares: South Asian, 0.023%; no homozygotes.

Submissions (2):

Labcorp Genetics (formerly Invitae), Labcorp
Classification: Uncertain significance. Last evaluated: 2022-10-13. Review status: criteria provided, single submitter. Criteria: Invitae Variant Classification Sherloc (09022015). Collection method: clinical testing. Allele origin: germline.
Comment: This sequence change replaces alanine, which is neutral and non-polar, with threonine, which is neutral and polar, at codon 172 of the ERCC2 protein (p.Ala172Thr). This variant is present in population databases (rs559154781, gnomAD 0.01%). This variant has not been reported in the literature in individuals affected with ERCC2-related conditions. ClinVar contains an entry for this variant (Variation ID: 134115). Advanced modeling of protein sequence and biophysical properties (such as structural, functional, and spatial information, amino acid conservation, physicochemical variation, residue mobility, and thermodynamic stability) performed at Invitae indicates that this missense variant is not expected to disrupt ERCC2 protein function. In summary, the available evidence is currently insufficient to determine the role of this variant in disease. Therefore, it has been classified as a Variant of Uncertain Significance.

ITMI
No classification provided. Condition: AllHighlyPenetrant. Last evaluated: 2013-09-19. Review status: no classification provided. Collection method: reference population. Allele origin: germline. Not counted in ClinVar's aggregate classification.
Comment: Please see associated publication for description of ethnicities

Literature cited by the submitters: PubMed 24728327 (cited by ITMI).

NM_000400.4(ERCC2):c.514G>A (p.Ala172Thr)

Gene: ERCC2 (ERCC excision repair 2, TFIIH core complex helicase subunit; minus strand). Cytogenetic location: 19q13.32.
Variant type: single nucleotide variant.
Coding change: c.514G>A on transcript NM_000400.4 (MANE Select); coding-DNA position 514, G replaced by A.
Protein change: p.Ala172Thr; replaces alanine 172 with threonine.
Molecular consequence: missense variant.
Genome position (GRCh38, 1-based): chr19:45,364,918, C>T on the plus strand (G>A on the coding strand, the complement: ERCC2 is on the minus strand). VCF-style: chr19-45364918-C-T. GRCh37 (hg19) VCF-style: chr19-45868176-C-T.
Other names: c.442G>A, p.Ala148Thr (NM_001130867.2); short protein forms A172T, A148T.
Identifiers: ClinVar variation 134115 (VCV000134115.6), dbSNP rs559154781, ClinGen allele CA158812.
Genomic context (GRCh38, chr19:45,364,918, plus strand): 5'-ATGGGCACCAGCCCTGGCGCCGCCCCAGGGCCTTCAGGTCATCCAGGTTGTAGATGCCAG[C>T]GGGGAGGGGCACCTCACGCCCATGGGCATCAAATTCCTGGGACAAGAGTGCCAGGGGTCA-3'
Protein context (NP_000391.1, residues 162-182): DAHGREVPLP[Ala172Thr]GIYNLDDLKA